The following is an entry in ClinVar:

NM_198407.2(GHSR):c.640G>T (p.Val214Leu)

Gene: GHSR (growth hormone secretagogue receptor; minus strand). Cytogenetic location: 3q26.31.
Variant type: single nucleotide variant.
Coding change: c.640G>T on transcript NM_198407.2 (MANE Select); coding-DNA position 640, G replaced by T.
Protein change: p.Val214Leu; replaces valine 214 with leucine.
Molecular consequence: missense variant.
Genome position (GRCh38, 1-based): chr3:172,447,774, C>A on the plus strand (G>T on the coding strand, the complement: GHSR is on the minus strand). VCF-style: chr3-172447774-C-A. GRCh37 (hg19) VCF-style: chr3-172165564-C-A.
Other names: c.640G>T, p.Val214Leu (NM_004122.2); short protein forms V214L.
Identifiers: ClinVar variation 1948253 (VCV001948253.5), dbSNP rs755270773, ClinGen allele CA2706431.

ClinVar aggregate classification (germline): Uncertain significance (1 of 4 stars; one submission).

Allele frequency attached by ClinVar (database versions not stated): ExAC 0.00001; gnomAD 0.00001.
gnomAD v4.1: 7 of 1,614,020 alleles (0.00043%); highest among the groups gnomAD compares: Non-Finnish European, 0.00059%; no homozygotes.

Submission:

Labcorp Genetics (formerly Invitae), Labcorp
Classification: Uncertain significance. Last evaluated: 2024-10-16. Review status: criteria provided, single submitter. Criteria: Invitae Variant Classification Sherloc (09022015). Collection method: clinical testing. Allele origin: germline.
Comment: This sequence change replaces valine, which is neutral and non-polar, with leucine, which is neutral and non-polar, at codon 214 of the GHSR protein (p.Val214Leu). This variant is present in population databases (rs755270773, gnomAD 0.0009%). This variant has not been reported in the literature in individuals affected with GHSR-related conditions. ClinVar contains an entry for this variant (Variation ID: 1948253). Invitae Evidence Modeling of protein sequence and biophysical properties (such as structural, functional, and spatial information, amino acid conservation, physicochemical variation, residue mobility, and thermodynamic stability) indicates that this missense variant is not expected to disrupt GHSR protein function with a negative predictive value of 80%. In summary, the available evidence is currently insufficient to determine the role of this variant in disease. Therefore, it has been classified as a Variant of Uncertain Significance.